The following is an entry in ClinVar:

ClinVar aggregate classification (germline): Pathogenic (1 of 4 stars; one submission).

gnomAD v4.1: 23 of 1,441,342 alleles (0.0016%); highest among the groups gnomAD compares: Non-Finnish European, 0.0021%; no homozygotes.

Submission:

GeneDx
Classification: Pathogenic. Last evaluated: 2018-01-22. Review status: criteria provided, single submitter. Criteria: GeneDx Variant Classification (06012015). Collection method: clinical testing. Allele origin: germline. Affected: yes.
Comment: The c.887+1G>A variant in the OTUD6B gene has not been reported previously as a pathogenic variant nor as a benign variant, to our knowledge. This splice site variant destroys the canonical splice donor site in intron 6. It is predicted to cause abnormal gene splicing, either leading to an abnormal message that is subject to nonsense-mediated mRNA decay, or to an abnormal protein product if the message is used for protein translation. The c.887+1G>A variant is not observed in large population cohorts (Lek et al., 2016). We interpret c.887+1G>A as a pathogenic variant.

NM_016023.5(OTUD6B):c.797+1G>A

Gene: OTUD6B (OTU deubiquitinase 6B; plus strand). Cytogenetic location: 8q21.3.
Variant type: single nucleotide variant.
Coding change: c.797+1G>A on transcript NM_016023.5 (MANE Select); the canonical splice donor site of the intron after coding-DNA position 797, G replaced by A.
Molecular consequence: splice donor variant.
Genome position (GRCh38, 1-based): chr8:91,084,115, G>A. VCF-style: chr8-91084115-G-A. GRCh37 (hg19) VCF-style: chr8-92096343-G-A.
Other names: c.494+1G>A (NM_001286745.3); c.716+1G>A (NM_001416022.1).
Identifiers: ClinVar variation 488709 (VCV000488709.2), dbSNP rs747009288, ClinGen allele CA371662953.